The following is an entry in ClinVar:

NM_000206.3(IL2RG):c.1061A>G (p.His354Arg)

Gene: IL2RG (interleukin 2 receptor subunit gamma; minus strand). Cytogenetic location: Xq13.1.
Variant type: single nucleotide variant.
Coding change: c.1061A>G on transcript NM_000206.3 (MANE Select); coding-DNA position 1061, A replaced by G.
Protein change: p.His354Arg; replaces histidine 354 with arginine.
Molecular consequence: missense variant.
Genome position (GRCh38, 1-based): chrX:71,107,785, T>C on the plus strand (A>G on the coding strand, the complement: IL2RG is on the minus strand). VCF-style: chrX-71107785-T-C. GRCh37 (hg19) VCF-style: chrX-70327635-T-C.
Other names: NM_000206.3(IL2RG):c.1061A>G; p.His354Arg; short protein forms H354R.
Identifiers: ClinVar variation 1199323 (VCV001199323.9), dbSNP rs771221019, ClinGen allele CA10443761.

ClinVar aggregate classification (germline): Likely benign. Review status: reviewed by expert panel (3 of 4 stars). 4 submissions from 3 submitters: Likely benign (1). 3 of the submissions do not count toward it. Last evaluated 2024-01-26.

Conditions:
Combined immunodeficiency, X-linked (CIDX). Also called: IMMUNODEFICIENCY 6. Identifiers: MedGen C6022467, MONDO:0010730, OMIM 312863.
X-linked severe combined immunodeficiency (SCIDX1). Also called: IMMUNODEFICIENCY 4; SCID, X-LINKED; SEVERE COMBINED IMMUNODEFICIENCY, X-LINKED, T CELL-NEGATIVE, B CELL-POSITIVE, NK CELL-NEGATIVE; T-B+ severe combined immunodeficiency due to gamma chain deficiency; X-Linked Combined Immunodeficiency Diseases. Identifiers: Orphanet 276, MedGen C6022468, MONDO:0010315, OMIM 300400. Disease mechanism: loss of function.

Allele frequency attached by ClinVar (database versions not stated): gnomAD exomes 0.00002 and 0.00003; TOPMed 0.00003; ExAC 0.00004.

Submissions (4):

ClinGen Severe Combined Immunodeficiency Variant Curation Expert Panel, ClinGen
Classification: Likely benign for X-linked severe combined immunodeficiency. Last evaluated: 2024-01-26. Review status: reviewed by expert panel. Criteria: ClinGen SCID ACMG Specifications IL2RG V1.0.0. Collection method: curation. Allele origin: germline. Inheritance: X-linked inheritance.
Comment: NM_000206.3(IL2RG):c.1061A>G is a missense variant predicted to cause substitution of Histidine by Arginine at amino acid 354 (p.His354Arg). The filtering allele frequency (the upper threshold of the 95% CI of 7/30447) of the c.1061A>G variant in IL2RG is 0.0001216 for East Asian chromosomes by gnomAD v4, which is lower than the ClinGen SCID VCEP threshold (<0.000124 ) for PM2_Supporting. However, 4 hemizygotes were reported (PM2 not met).The variant is observed in 4 hemizygotes in gnomAD v4 (BS2_Strong). To our knowledge, this variant has not been reported in the literature in individuals affected with IL2RG related conditions or in functional studies. In summary, this variant meets the criteria to be classified as likely benign variant for X-linked severe combined immunodeficiency due to IL2RG deficiency based on the ACMG/AMP criteria applied, as specified by the ClinGen SCID VCEP: BS2 (VCEP specifications version 1).

Labcorp Genetics (formerly Invitae), Labcorp
Classification: Likely benign for X-linked severe combined immunodeficiency. Last evaluated: 2023-08-18. Review status: criteria provided, single submitter. Criteria: Invitae Variant Classification Sherloc (09022015). Collection method: clinical testing. Allele origin: germline. Not counted in ClinVar's aggregate classification.

Genome-Nilou Lab
Classification: Uncertain significance for Combined immunodeficiency, X-linked. Last evaluated: 2021-07-14. Review status: criteria provided, single submitter. Criteria: ACMG Guidelines, 2015. Collection method: clinical testing. Allele origin: germline. Affected: no. Not counted in ClinVar's aggregate classification.

Genome-Nilou Lab
Classification: Uncertain significance for X-linked severe combined immunodeficiency. Last evaluated: 2021-07-14. Review status: criteria provided, single submitter. Criteria: ACMG Guidelines, 2015. Collection method: clinical testing. Allele origin: germline. Affected: no. Not counted in ClinVar's aggregate classification.